The following is an entry in ClinVar:

NM_001291415.2(KDM6A):c.1466G>A (p.Arg489Lys)

Gene: KDM6A (lysine demethylase 6A; plus strand). Cytogenetic location: Xp11.3.
Variant type: single nucleotide variant.
Coding change: c.1466G>A on transcript NM_001291415.2 (MANE Select); coding-DNA position 1466, G replaced by A.
Protein change: p.Arg489Lys; replaces arginine 489 with lysine.
Molecular consequence: missense variant. On other transcripts: non-coding transcript variant (1), intron variant (8).
Genome position (GRCh38, 1-based): chrX:45,060,745, G>A. VCF-style: chrX-45060745-G-A. GRCh37 (hg19) VCF-style: chrX-44919990-G-A.
Other names: c.1331G>A, p.Arg444Lys (NM_001291416.2, NM_001419811.1); c.1466G>A, p.Arg489Lys (NM_001419809.1, NM_001419810.1, NM_001419813.1); c.1330-579G>A (NM_001419812.1, NM_021140.4, NM_001419814.1 and 1 more transcripts); c.1195-579G>A (NM_001291417.2, NM_001419815.1, NM_001291418.2); c.442-579G>A (NM_001291421.2); short protein forms R444K, R489K.
Identifiers: ClinVar variation 3906702 (VCV003906702.1).

ClinVar aggregate classification (germline): Uncertain significance (1 of 4 stars; one submission).

Submission:

GeneDx
Classification: Uncertain significance. Last evaluated: 2024-12-17. Review status: criteria provided, single submitter. Criteria: GeneDx Variant Classification Process June 2021. Collection method: clinical testing. Allele origin: germline. Affected: yes.
Comment: Not observed at significant frequency in large population cohorts (gnomAD); In silico analysis supports that this missense variant has a deleterious effect on protein structure/function; Has not been previously published as pathogenic or benign to our knowledge; Reported using an alternate transcript of the gene